The following is an entry in ClinVar:

ClinVar aggregate classification (germline): Likely benign. Review status: criteria provided, multiple submitters, no conflicts (2 of 4 stars). 2 submissions from 2 submitters: Likely benign (2). Last evaluated 2025-07-08.

Conditions:
Jeune thoracic dystrophy. Also called: Jeune syndrome; Infantile thoracic dystrophy; Thoracic pelvic phalangeal dystrophy; Jeune's syndrome; Chondroectodermal dysplasia-like syndrome; Short-rib thoracic dysplasia. Identifiers: Orphanet 474, MedGen C0265275, MONDO:0018770.
Nephronophthisis. Also called: Juvenile Nephronophthisis. Identifiers: Orphanet 655, MedGen C0687120, MONDO:0019005, HP:0000090.
TTC21B-related disorder. Also called: TTC21B-related condition; TTC21B-related disorders.

Allele frequency attached by ClinVar (database versions not stated): gnomAD exomes 0.00001; TOPMed 0.00001; gnomAD 0.00003; ESP Exome Variant Server 0.00008.
gnomAD v4.1: 14 of 1,613,946 alleles (0.00087%); highest among the groups gnomAD compares: African/African-American, 0.013%; no homozygotes.

Submissions (2):

PreventionGenetics, part of Exact Sciences
Classification: Likely benign for TTC21B-related condition. Last evaluated: 2025-07-08. Review status: criteria provided, single submitter. Criteria: ACMG Guidelines, 2015. Collection method: clinical testing. Allele origin: germline.
Comment: This variant is classified as likely benign based on ACMG/AMP sequence variant interpretation guidelines (Richards et al. 2015 PMID: 25741868, with internal and published modifications).

Labcorp Genetics (formerly Invitae), Labcorp
Classification: Likely benign for Jeune thoracic dystrophy; Nephronophthisis. Last evaluated: 2024-01-04. Review status: criteria provided, single submitter. Criteria: Invitae Variant Classification Sherloc (09022015). Collection method: clinical testing. Allele origin: germline.

NM_024753.5(TTC21B):c.645T>C (p.Phe215=)

Genes: TTC21B (tetratricopeptide repeat domain 21B; minus strand), TTC21B-AS1 (TTC21B antisense RNA 1; plus strand). Cytogenetic location: 2q24.3.
Variant type: single nucleotide variant.
Coding change: c.645T>C on transcript NM_024753.5 (MANE Select); coding-DNA position 645, T replaced by C.
Protein change: p.Phe215=; no amino-acid change (phenylalanine 215 retained).
Molecular consequence: synonymous variant.
Genome position (GRCh38, 1-based): chr2:165,941,092, A>G on the plus strand (T>C on the coding strand, the complement: TTC21B is on the minus strand). VCF-style: chr2-165941092-A-G. GRCh37 (hg19) VCF-style: chr2-166797602-A-G.
Other names: c.645T>C (NM_024753.4).
Identifiers: ClinVar variation 2931040 (VCV002931040.4), dbSNP rs145021138, ClinGen allele CA59764431.